The following is an entry in ClinVar:

ClinVar aggregate classification (germline): Likely pathogenic (1 of 4 stars; one submission).

Conditions:
Dilated cardiomyopathy 1G (CMD1G). Identifiers: Orphanet 154, MedGen C1858763, MONDO:0011400, OMIM 604145.
Autosomal recessive limb-girdle muscular dystrophy type 2J (LGMDR10). Also called: Limb-girdle muscular dystrophy, type 2J; MUSCULAR DYSTROPHY, LIMB-GIRDLE, AUTOSOMAL RECESSIVE 10. Identifiers: Orphanet 140922, MedGen C1837342, MONDO:0012127, OMIM 608807.

Submission:

Labcorp Genetics (formerly Invitae), Labcorp
Classification: Likely pathogenic for Dilated cardiomyopathy 1G; Autosomal recessive limb-girdle muscular dystrophy type 2J. Last evaluated: 2025-07-03. Review status: criteria provided, single submitter. Criteria: Invitae Variant Classification Sherloc (09022015). Collection method: clinical testing. Allele origin: germline.
Comment: This sequence change creates a premature translational stop signal (p.Thr34441Glnfs*16) in the TTN gene. While this is not anticipated to result in nonsense mediated decay, it is expected to create a truncated TTN protein. This variant is not present in population databases (gnomAD no frequency). This variant has not been reported in the literature in individuals affected with TTN-related conditions. This variant is located in the M band of TTN (PMID: 25589632). Truncating variants in this region have been previously reported in individuals affected with autosomal dominant or autosomal recessive myopathy and muscular dystrophy (PMID: 18948003, 23975875, 24395473). Truncating variants in this region have also been identified in individuals affected with autosomal dominant dilated cardiomyopathy and/or cardio-related conditions (PMID: 27869827, 32964742, internal data). In summary, the currently available evidence indicates that the variant is pathogenic, but additional data are needed to prove that conclusively. Therefore, this variant has been classified as Likely Pathogenic.

Literature cited by the submitters: PubMed 25589632; PubMed 18948003; PubMed 23975875; PubMed 24395473; PubMed 27869827; PubMed 32964742.

NM_001267550.2(TTN):c.103321del (p.Thr34441fs)

Genes: TTN (titin; minus strand), TTN-AS1 (TTN antisense RNA 1; plus strand). Cytogenetic location: 2q31.2.
Variant type: Deletion.
Coding change: c.103321del on transcript NM_001267550.2 (MANE Select); coding-DNA position 103321, one base deleted (A; older notation c.103321delA).
Protein change: p.Thr34441fs; shifts the reading frame from threonine 34441.
Molecular consequence: frameshift variant.
Genome position (GRCh38, 1-based): chr2:178,533,294, T deleted on the plus strand (A on the coding strand, the reverse complement: TTN is on the minus strand). VCF-style (leftmost placement, unchanged base first): chr2-178533293-GT-G. GRCh37 (hg19) VCF-style: chr2-179398020-GT-G.
Other names: c.98398del, p.Thr32800fs (NM_001256850.1); c.76126del, p.Thr25376fs (NM_003319.4); c.95617del, p.Thr31873fs (NM_133378.4); c.76501del, p.Thr25501fs (NM_133432.3); c.76702del, p.Thr25568fs (NM_133437.4); short protein forms T31873fs, T25376fs, T25568fs, T34441fs, T25501fs, T32800fs.
Identifiers: ClinVar variation 4784406 (VCV004784406.1).